The following is an entry in ClinVar:

ClinVar aggregate classification (germline): Uncertain significance (1 of 4 stars; one submission).

Conditions:
Developmental delay, impaired speech, and behavioral abnormalities. Identifiers: MedGen C5561957, MONDO:0859178, OMIM 619475.

gnomAD v4.1: 1 of 1,613,988 alleles (0.000062%); highest among the groups gnomAD compares: Non-Finnish European, 0.000085%; no homozygotes.

Submission:

Pittsburgh Clinical Genomics Laboratory, University of Pittsburgh Medical Center
Classification: Uncertain significance for Developmental delay, impaired speech, and behavioral abnormalities. Last evaluated: 2023-03-28. Review status: criteria provided, single submitter. Criteria: ACMG Guidelines, 2015. Collection method: clinical testing. Allele origin: germline. Inheritance: Autosomal dominant inheritance. Affected: yes.
Comment: This sequence variant is a single nucleotide substitution (A>G) at coding position 5852 of the SPTBN1 gene that results in an asparagine to serine amino acid change at residue 1951 of the SPTBN1 protein. This is a novel variant that has not been previously observed in databases of clinically annotated variants or observed in the literature in individuals with SPTBN1-related disease, to our knowledge. This variant is absent from the gnomAD population database (0 of ~250,000 alleles). Bioinformatic tools produce mixed predictions as to whether this variant would be tolerated or damaging, and the Asn1951 residue is highly conserved across the vertebrate species examined. This variant falls within one of 17 spectrin repeat domains, important for protein structure and dimerization (PMID: 33390831). Functiol studies confirming an effect of this variant on protein structure or activity have not been performed, to our knowledge. At this time, there is insufficient evidence to determine if this variant is pathogenic or benign. Therefore, we consider this to be a variant of uncertain significance. ACMG Criteria: PM2

Literature cited by the submitters: PubMed 33390831.

NM_003128.3(SPTBN1):c.5852A>G (p.Asn1951Ser)

Gene: SPTBN1 (spectrin beta, non-erythrocytic 1; plus strand). Cytogenetic location: 2p16.2.
Variant type: single nucleotide variant.
Coding change: c.5852A>G on transcript NM_003128.3 (MANE Select); coding-DNA position 5852, A replaced by G.
Protein change: p.Asn1951Ser; replaces asparagine 1951 with serine.
Molecular consequence: missense variant.
Genome position (GRCh38, 1-based): chr2:54,655,099, A>G. VCF-style: chr2-54655099-A-G. GRCh37 (hg19) VCF-style: chr2-54882236-A-G.
Other names: c.5813A>G, p.Asn1938Ser (NM_178313.3); short protein forms N1938S, N1951S.
Identifiers: ClinVar variation 3376292 (VCV003376292.1).